The following is an entry in ClinVar:

NM_002470.4(MYH3):c.5607G>T (p.Val1869=)

Gene: MYH3 (myosin heavy chain 3; minus strand). Cytogenetic location: 17p13.1.
Variant type: single nucleotide variant.
Coding change: c.5607G>T on transcript NM_002470.4 (MANE Select); coding-DNA position 5607, G replaced by T.
Protein change: p.Val1869=; no amino-acid change (valine 1869 retained).
Molecular consequence: synonymous variant.
Genome position (GRCh38, 1-based): chr17:10,629,893, C>A on the plus strand (G>T on the coding strand, the complement: MYH3 is on the minus strand). VCF-style: chr17-10629893-C-A. GRCh37 (hg19) VCF-style: chr17-10533210-C-A.
Identifiers: ClinVar variation 321712 (VCV000321712.9), dbSNP rs753515010, ClinGen allele CA8391870.

ClinVar aggregate classification (germline): Conflicting classifications of pathogenicity. Review status: criteria provided, conflicting classifications (1 of 4 stars). 3 submissions from 2 submitters: Uncertain significance (1); Benign (1); Likely benign (1). Last evaluated 2024-11-04.

Conditions:
Freeman-Sheldon syndrome (DA2A). Also called: CRANIOCARPOTARSAL DYSPLASIA; CRANIOCARPOTARSAL DYSTROPHY; WHISTLING FACE-WINDMILL VANE HAND SYNDROME; Arthrogryposis, distal, type 2A (Freeman-Sheldon). Identifiers: Orphanet 2053, MedGen C0265224, MONDO:0008675, OMIM 193700.
Distal arthrogryposis type 2B1 (DA2B1). Also called: Arthrogryposis multiplex congenita distal type II with craniofacial abnormalities. Identifiers: Orphanet 1147, MedGen C5193014, MONDO:0020820, OMIM 601680.

Allele frequency attached by ClinVar (database versions not stated): gnomAD below 0.00001 and 0.00001; ExAC 0.00005.
gnomAD v4.1: 42 of 1,614,050 alleles (0.0026%); highest among the groups gnomAD compares: South Asian, 0.046%; 1 homozygote.

Submissions (3):

Labcorp Genetics (formerly Invitae), Labcorp
Classification: Benign. Last evaluated: 2024-11-04. Review status: criteria provided, single submitter. Criteria: Invitae Variant Classification Sherloc (09022015). Collection method: clinical testing. Allele origin: germline.

Illumina Laboratory Services, Illumina
Classification: Uncertain significance for Distal arthrogryposis type 2B1. Last evaluated: 2018-01-13. Review status: criteria provided, single submitter. Criteria: ICSL Variant Classification Criteria 13 December 2019. Collection method: clinical testing. Allele origin: germline.

Illumina Laboratory Services, Illumina
Classification: Likely benign for Freeman-Sheldon syndrome. Last evaluated: 2018-01-13. Review status: criteria provided, single submitter. Criteria: ICSL Variant Classification Criteria 13 December 2019. Collection method: clinical testing. Allele origin: germline.
Comment: This variant was observed in the ICSL laboratory as part of a predisposition screen in an ostensibly healthy population. It had not been previously curated by ICSL or reported in the Human Gene Mutation Database (HGMD: prior to June 1st, 2018), and was therefore a candidate for classification through an automated scoring system. Utilizing variant allele frequency, disease prevalence and penetrance estimates, and inheritance mode, an automated score was calculated to assess if this variant is too frequent to cause the disease. Based on the score and internal cut-off values, a variant classified as likely benign is not then subjected to further curation. The score for this variant resulted in a classification of likely benign for this disease.